The following is an entry in ClinVar:

ClinVar aggregate classification (germline): Pathogenic (1 of 4 stars; one submission).

Conditions:
Hereditary cancer-predisposing syndrome. Also called: Neoplastic Syndromes, Hereditary; Tumor predisposition; Hereditary neoplastic syndrome; Hereditary Cancer Syndrome. Identifiers: Orphanet 140162, MedGen C0027672, MeSH D009386, MONDO:0015356.

Submission:

Ambry Genetics
Classification: Pathogenic for Hereditary cancer-predisposing syndrome. Last evaluated: 2023-01-25. Review status: criteria provided, single submitter. Criteria: Ambry Variant Classification Scheme 2023. Collection method: clinical testing. Allele origin: germline.
Comment: The c.1277_1279delTCCinsAA pathogenic mutation, located in coding exon 8 of the FLCN gene, results from the deletion of three nucleotides and insertion of two nucleotides causing a translational frameshift with a predicted alternate stop codon (p.I426Kfs*42). This variant is considered to be rare based on population cohorts in the Genome Aggregation Database (gnomAD). This alteration is expected to result in loss of function by premature protein truncation or nonsense-mediated mRNA decay. As such, this alteration is interpreted as a disease-causing mutation.

NM_144997.7(FLCN):c.1277_1279delinsAA (p.Ile426fs)

Gene: FLCN (folliculin; minus strand). Cytogenetic location: 17p11.2.
Variant type: Indel.
Coding change: c.1277_1279delinsAA on transcript NM_144997.7 (MANE Select); coding-DNA positions 1277 to 1279, TCC replaced by AA.
Protein change: p.Ile426fs; shifts the reading frame from isoleucine 426.
Molecular consequence: frameshift variant.
Genome position (GRCh38, 1-based): chr17:17,216,401-17,216,403, GGA replaced by TT on the plus strand (TCC replaced by AA on the coding strand, the reverse complement: FLCN is on the minus strand). VCF-style: chr17-17216401-GGA-TT. GRCh37 (hg19) VCF-style: chr17-17119715-GGA-TT.
Other names: c.1331_1333delinsAA, p.Ile444fs (NM_001353229.2); c.1277_1279delinsAA, p.Ile426fs (NM_001353230.2, NM_001353231.2); short protein forms I444fs, I426fs.
Identifiers: ClinVar variation 2451831 (VCV002451831.2), dbSNP rs2544161621, ClinGen allele CA2580092719.
Genomic context (GRCh38, chr17:17,216,401, plus strand): 5'-AGCGCAGGGCATGGCCCCACAGCCCGCGGGGGCACGCACCTGAGGAGAGCACGTGGGGGG[GGA>TT]TCTGCACGTGCGGGCTGAGCCCCAGGAAGTTGCACCGATAGGCCTCCTCGTACTGGCTGC-3'